The following is an entry in ClinVar:

ClinVar aggregate classification (germline): Benign/Likely benign. Review status: criteria provided, multiple submitters, no conflicts (2 of 4 stars). 4 submissions from 4 submitters: Benign (1); Likely benign (3). Last evaluated 2026-04-17.

Conditions:
DICER1-related tumor predisposition. Also called: DICER1-related pleuropulmonary blastoma cancer predisposition syndrome; DICER1 syndrome. Identifiers: Orphanet 284343, MedGen C3839822, MONDO:0100216.
Hereditary cancer-predisposing syndrome. Also called: Hereditary Cancer Syndrome; Hereditary neoplastic syndrome; Neoplastic Syndromes, Hereditary; Tumor predisposition. Identifiers: Orphanet 140162, MedGen C0027672, MeSH D009386, MONDO:0015356.

Allele frequency attached by ClinVar (database versions not stated): gnomAD 0.00001 and 0.00002; gnomAD exomes below 0.00001.
gnomAD v4.1: 9 of 1,614,106 alleles (0.00056%); highest among the groups gnomAD compares: African/African-American, 0.0027%; 1 homozygote.

Submissions (4):

Myriad Genetics, Inc.
Classification: Benign for DICER1-related tumor predisposition. Last evaluated: 2026-04-17. Review status: criteria provided, single submitter. Criteria: Myriad Autosomal Dominant, Autosomal Recessive and X-Linked Classification Criteria (2023). Collection method: clinical testing. Allele origin: unknown.
Comment: This variant is considered benign. This variant is a silent/synonymous amino acid change and it is not expected to impact splicing.

Labcorp Genetics (formerly Invitae), Labcorp
Classification: Likely benign for DICER1-related tumor predisposition. Last evaluated: 2025-08-18. Review status: criteria provided, single submitter. Criteria: Invitae Variant Classification Sherloc (09022015). Collection method: clinical testing. Allele origin: germline.

Sema4
Classification: Likely benign for Hereditary cancer-predisposing syndrome. Last evaluated: 2021-11-01. Review status: criteria provided, single submitter. Criteria: Sema4 Curation Guidelines. Collection method: curation. Allele origin: germline.

Ambry Genetics
Classification: Likely benign for Hereditary cancer-predisposing syndrome. Last evaluated: 2021-05-11. Review status: criteria provided, single submitter. Criteria: Ambry Variant Classification Scheme 2023. Collection method: clinical testing. Allele origin: germline.

NM_177438.3(DICER1):c.4032A>G (p.Ser1344=)

Gene: DICER1 (dicer 1, ribonuclease III; minus strand). Cytogenetic location: 14q32.13.
Variant type: single nucleotide variant.
Coding change: c.4032A>G on transcript NM_177438.3 (MANE Select); coding-DNA position 4032, A replaced by G.
Protein change: p.Ser1344=; no amino-acid change (serine 1344 retained).
Molecular consequence: synonymous variant.
Genome position (GRCh38, 1-based): chr14:95,103,364, T>C on the plus strand (A>G on the coding strand, the complement: DICER1 is on the minus strand). VCF-style: chr14-95103364-T-C. GRCh37 (hg19) VCF-style: chr14-95569701-T-C.
Other names: c.4032A>G, p.Ser1344= (NM_001195573.1, NM_001271282.3, NM_001291628.2 and 1 more transcripts).
Identifiers: ClinVar variation 703724 (VCV000703724.16), dbSNP rs952651460, ClinGen allele CA265905709.